The following is an entry in ClinVar:

ClinVar aggregate classification (germline): Uncertain significance. Review status: criteria provided, multiple submitters, no conflicts (2 of 4 stars). 2 submissions from 2 submitters: Uncertain significance (2). Last evaluated 2023-09-10.

Conditions:
Inborn genetic diseases. Identifiers: MedGen C0950123, MeSH D030342.
Pseudohypoaldosteronism type 2C (PHA2C). Also called: Pseudohypoaldosteronism Type IIC. Identifiers: Orphanet 757, Orphanet 88940, MedGen C1840391, MONDO:0013778, OMIM 614492.
Neuropathy, hereditary sensory and autonomic, type 2A (HSAN2A). Also called: ACROOSTEOLYSIS, GIACCAI TYPE; ACROOSTEOLYSIS, NEUROGENIC; MORVAN DISEASE; NEUROPATHY, CONGENITAL SENSORY; NEUROPATHY, HEREDITARY SENSORY RADICULAR, AUTOSOMAL RECESSIVE; NEUROPATHY, HEREDITARY SENSORY, TYPE IIA. Identifiers: Orphanet 970, MedGen C2752089, MONDO:0024309, OMIM 201300.

Allele frequency attached by ClinVar (database versions not stated): gnomAD exomes 0.00001; ExAC 0.00002.
gnomAD v4.1: 16 of 1,614,102 alleles (0.00099%); highest among the groups gnomAD compares: East Asian, 0.0022%; no homozygotes.

Submissions (2):

Labcorp Genetics (formerly Invitae), Labcorp
Classification: Uncertain significance for Neuropathy, hereditary sensory and autonomic, type 2A; Pseudohypoaldosteronism type 2C. Last evaluated: 2023-09-10. Review status: criteria provided, single submitter. Criteria: Invitae Variant Classification Sherloc (09022015). Collection method: clinical testing. Allele origin: germline.
Comment: This sequence change replaces leucine, which is neutral and non-polar, with valine, which is neutral and non-polar, at codon 2056 of the WNK1 protein (p.Leu2056Val). This variant is present in population databases (rs753866397, gnomAD 0.003%). This variant has not been reported in the literature in individuals affected with WNK1-related conditions. ClinVar contains an entry for this variant (Variation ID: 854093). Advanced modeling of protein sequence and biophysical properties (such as structural, functional, and spatial information, amino acid conservation, physicochemical variation, residue mobility, and thermodynamic stability) performed at Invitae indicates that this missense variant is not expected to disrupt WNK1 protein function. In summary, the available evidence is currently insufficient to determine the role of this variant in disease. Therefore, it has been classified as a Variant of Uncertain Significance.

Ambry Genetics
Classification: Uncertain significance for Inborn genetic diseases. Last evaluated: 2022-09-08. Review status: criteria provided, single submitter. Criteria: Ambry Variant Classification Scheme 2023. Collection method: clinical testing. Allele origin: germline.
Comment: The p.L2056V variant (also known as c.6166C>G), located in coding exon 21 of the WNK1 gene, results from a C to G substitution at nucleotide position 6166. The leucine at codon 2056 is replaced by valine, an amino acid with highly similar properties. This amino acid position is highly conserved in available vertebrate species. In addition, the in silico prediction for this alteration is inconclusive. Since supporting evidence is limited at this time, the clinical significance of this alteration remains unclear.

NM_018979.4(WNK1):c.5410C>G (p.Leu1804Val)

Gene: WNK1 (WNK lysine deficient protein kinase 1; plus strand). Cytogenetic location: 12p13.33.
Variant type: single nucleotide variant.
Coding change: c.5410C>G on transcript NM_018979.4 (MANE Select); coding-DNA position 5410, C replaced by G.
Protein change: p.Leu1804Val; replaces leucine 1804 with valine.
Molecular consequence: missense variant.
Genome position (GRCh38, 1-based): chr12:889,185, C>G. VCF-style: chr12-889185-C-G. GRCh37 (hg19) VCF-style: chr12-998351-C-G.
Other names: c.6190C>G, p.Leu2064Val (NM_001184985.2); c.4669C>G, p.Leu1557Val (NM_014823.3); c.6166C>G, p.Leu2056Val (NM_213655.5); short protein forms L1804V, L2064V, L1557V, L2056V.
Identifiers: ClinVar variation 854093 (VCV000854093.11), dbSNP rs753866397, ClinGen allele CA6383165.